The following is an entry in ClinVar:

NM_000090.4(COL3A1):c.852+4A>C

Gene: COL3A1 (collagen type III alpha 1 chain; plus strand). Cytogenetic location: 2q32.2.
Variant type: single nucleotide variant.
Coding change: c.852+4A>C on transcript NM_000090.4 (MANE Select); 4 bases into the intron after coding-DNA position 852, A replaced by C.
Molecular consequence: intron variant.
Genome position (GRCh38, 1-based): chr2:188,991,061, A>C. VCF-style: chr2-188991061-A-C. GRCh37 (hg19) VCF-style: chr2-189855787-A-C.
Identifiers: ClinVar variation 3894521 (VCV003894521.1).
Genomic context (GRCh38, chr2:188,991,061, plus strand): 5'-TAGGGCTTCGATGGACGAAATGGAGAAAAGGGTGAAACAGGTGCTCCTGGATTAAAGGTA[A>C]ATCACAACAAAAATCATATTTTCATAAGTAAATTCATTAAATATTAAAGCTACATATAAG-3'

ClinVar aggregate classification (germline): Uncertain significance (1 of 4 stars; one submission).

Conditions:
Familial thoracic aortic aneurysm and aortic dissection (TAAD). Also called: Thoracic aortic aneurysms and dissections. Identifiers: Orphanet 91387, MedGen C4707243, MONDO:0019625.

Submission:

Color Diagnostics, LLC DBA Color Health
Classification: Uncertain significance for Familial thoracic aortic aneurysm and aortic dissection. Last evaluated: 2024-07-26. Review status: criteria provided, single submitter. Criteria: ACMG Guidelines, 2015. Collection method: clinical testing. Allele origin: germline.
Comment: This variant causes an A to C nucleotide substitution at the +4 position of intron 11 of the COL3A1 gene. To our knowledge, functional studies have not been reported for this variant. This variant has not been reported in individuals affected with COL3A1-related disorders in the literature. This variant has not been identified in the general population by the Genome Aggregation Database (gnomAD). The available evidence is insufficient to determine the role of this variant in disease conclusively. Therefore, this variant is classified as a Variant of Uncertain Significance.